The following is an entry in ClinVar:

NM_014363.6(SACS):c.3701G>A (p.Trp1234Ter)

Gene: SACS (sacsin molecular chaperone; minus strand). Cytogenetic location: 13q12.12.
Variant type: single nucleotide variant.
Coding change: c.3701G>A on transcript NM_014363.6 (MANE Select); coding-DNA position 3701, G replaced by A.
Protein change: p.Trp1234Ter; replaces tryptophan 1234 with a stop codon.
Molecular consequence: nonsense.
Genome position (GRCh38, 1-based): chr13:23,340,175, C>T on the plus strand (G>A on the coding strand, the complement: SACS is on the minus strand). VCF-style: chr13-23340175-C-T. GRCh37 (hg19) VCF-style: chr13-23914314-C-T.
Other names: c.3260G>A, p.Trp1087Ter (NM_001278055.2); short protein forms W1234*, W1087*.
Identifiers: ClinVar variation 1453781 (VCV001453781.8), dbSNP rs1248031379, ClinGen allele CA387533912.

ClinVar aggregate classification (germline): Pathogenic (1 of 4 stars; one submission).

Conditions:
Spastic paraplegia. Identifiers: MedGen C0037772, HP:0001258.

Allele frequency attached by ClinVar (database versions not stated): gnomAD exomes below 0.00001; gnomAD 0.00001; TOPMed 0.00001.
gnomAD v4.1: 2 of 1,612,288 alleles (0.00012%); highest among the groups gnomAD compares: Admixed American, 0.0017%; no homozygotes.

Submission:

Labcorp Genetics (formerly Invitae), Labcorp
Classification: Pathogenic for Spastic paraplegia. Last evaluated: 2022-12-22. Review status: criteria provided, single submitter. Criteria: Invitae Variant Classification Sherloc (09022015). Collection method: clinical testing. Allele origin: germline.
Comment: This sequence change creates a premature translational stop signal (p.Trp1234*) in the SACS gene. While this is not anticipated to result in nonsense mediated decay, it is expected to disrupt the last 3346 amino acid(s) of the SACS protein. This variant is present in population databases (no rsID available, gnomAD 0.004%). This variant has not been reported in the literature in individuals affected with SACS-related conditions. ClinVar contains an entry for this variant (Variation ID: 1453781). This variant disrupts a region of the SACS protein in which other variant(s) (p.Tyr4538*) have been determined to be pathogenic (Invitae). This suggests that this is a clinically significant region of the protein, and that variants that disrupt it are likely to be disease-causing. For these reasons, this variant has been classified as Pathogenic.